The following is an entry in ClinVar:

NM_024426.6(WT1):c.849C>G (p.Thr283=)

Gene: WT1 (WT1 transcription factor; minus strand). Cytogenetic location: 11p13.
Variant type: single nucleotide variant.
Coding change: c.849C>G on transcript NM_024426.6 (MANE Select); coding-DNA position 849, C replaced by G.
Protein change: p.Thr283=; no amino-acid change (threonine 283 retained).
Molecular consequence: synonymous variant. On other transcripts: non-coding transcript variant (2).
Genome position (GRCh38, 1-based): chr11:32,427,994, G>C on the plus strand (C>G on the coding strand, the complement: WT1 is on the minus strand). VCF-style: chr11-32427994-G-C. GRCh37 (hg19) VCF-style: chr11-32449540-G-C.
Other names: c.849C>G, p.Thr283= (NM_000378.6, NM_001407044.1, NM_001407045.1 and 4 more transcripts); c.198C>G, p.Thr66= (NM_001198551.2, NM_001198552.2); c.726C>G, p.Thr242= (NM_001407047.1, NM_001407050.1); c.87C>G, p.Thr29= (NM_001407051.1); c.834C>G, p.Thr278= (NM_024425.2); c.834C>G (NM_024426.4).
Identifiers: ClinVar variation 2121395 (VCV002121395.6), dbSNP rs145425799, ClinGen allele CA473569609.

ClinVar aggregate classification (germline): Likely benign. Review status: criteria provided, multiple submitters, no conflicts (2 of 4 stars). 3 submissions from 3 submitters: Likely benign (3). Last evaluated 2025-10-17.

Conditions:
Drash syndrome (DDS). Also called: NEPHROPATHY, WILMS TUMOR, AND GENITAL ANOMALIES; WILMS TUMOR AND PSEUDO- OR TRUE HERMAPHRODITISM. Identifiers: Orphanet 220, MedGen C0950121, MONDO:0008682, OMIM 194080.
Frasier syndrome. Identifiers: Orphanet 347, MedGen C0950122, MeSH D052159, MONDO:0007635, OMIM 136680.
Wilms tumor 1 (WT1). Also called: Wilms tumor, somatic. Identifiers: Orphanet 654, MedGen CN033288, MONDO:0008679, OMIM 194070.
11p partial monosomy syndrome (WAGR). Also called: CHROMOSOME 11p13 DELETION SYNDROME; WAGR syndrome; WAGR Spectrum Disorder; WAGR Complex. Identifiers: Orphanet 893, MedGen C0206115, MONDO:0008681, OMIM 194072.
Inborn genetic diseases. Identifiers: MedGen C0950123, MeSH D030342.

gnomAD v4.1: 1 of 1,611,878 alleles (0.000062%); highest among the groups gnomAD compares: Non-Finnish European, 0.000085%; no homozygotes.

Submissions (3):

Ambry Genetics
Classification: Likely benign for Inborn genetic diseases. Last evaluated: 2025-10-17. Review status: criteria provided, single submitter. Criteria: Ambry Variant Classification Scheme 2023. Collection method: clinical testing. Allele origin: germline.

All of Us Research Program, National Institutes of Health
Classification: Likely benign for Wilms tumor 1. Last evaluated: 2023-08-23. Review status: criteria provided, single submitter. Criteria: ACMG Guidelines, 2015. Collection method: clinical testing. Allele origin: germline. Inheritance: Autosomal dominant inheritance. Observed: 1 variant allele, 1 heterozygote.
Comment: This study involves interpretation of variants in research participants for the purpose of population health screening. Participant phenotype was not available at the time of variant classification. Additional details can be found in publication PMID: 35346344, PMCID: PMC8962531

Labcorp Genetics (formerly Invitae), Labcorp
Classification: Likely benign for Wilms tumor 1; Drash syndrome; 11p partial monosomy syndrome; Frasier syndrome. Last evaluated: 2022-04-04. Review status: criteria provided, single submitter. Criteria: Invitae Variant Classification Sherloc (09022015). Collection method: clinical testing. Allele origin: germline.